The following is an entry in ClinVar:

NM_203446.3(SYNJ1):c.2494C>G (p.Gln832Glu)

Gene: SYNJ1 (synaptojanin 1; minus strand). Cytogenetic location: 21q22.11.
Variant type: single nucleotide variant.
Coding change: c.2494C>G on transcript NM_203446.3 (MANE Select); coding-DNA position 2494, C replaced by G.
Protein change: p.Gln832Glu; replaces glutamine 832 with glutamic acid.
Molecular consequence: missense variant.
Genome position (GRCh38, 1-based): chr21:32,657,088, G>C on the plus strand (C>G on the coding strand, the complement: SYNJ1 is on the minus strand). VCF-style: chr21-32657088-G-C. GRCh37 (hg19) VCF-style: chr21-34029398-G-C.
Other names: c.2494C>G, p.Gln832Glu (NM_001160302.2); c.2479C>G, p.Gln827Glu (NM_001160306.2); c.2611C>G, p.Gln871Glu (NM_003895.4); short protein forms Q871E, Q827E, Q832E.
Identifiers: ClinVar variation 2112526 (VCV002112526.1), dbSNP rs1326692217, ClinGen allele CA410074573.

ClinVar aggregate classification (germline): Uncertain significance (1 of 4 stars; one submission).

Conditions:
Developmental and epileptic encephalopathy, 53. Also called: Epileptic encephalopathy, early infantile, 53. Identifiers: MedGen C4479313, MONDO:0033362, OMIM 617389.
Early-onset Parkinson disease 20. Also called: PARKINSON DISEASE 20, AUTOSOMAL RECESSIVE EARLY-ONSET. Identifiers: Orphanet 391411, MedGen C3809824, MONDO:0014233, OMIM 615530.

Allele frequency attached by ClinVar (database versions not stated): gnomAD exomes below 0.00001.
gnomAD v4.1: 1 of 1,613,824 alleles (0.000062%); highest among the groups gnomAD compares: African/African-American, 0.0013%; no homozygotes.

Submission:

Labcorp Genetics (formerly Invitae), Labcorp
Classification: Uncertain significance for Developmental and epileptic encephalopathy, 53; Early-onset Parkinson disease 20. Last evaluated: 2022-03-15. Review status: criteria provided, single submitter. Criteria: Invitae Variant Classification Sherloc (09022015). Collection method: clinical testing. Allele origin: germline.
Comment: This sequence change replaces glutamine, which is neutral and polar, with glutamic acid, which is acidic and polar, at codon 871 of the SYNJ1 protein (p.Gln871Glu). This variant is present in population databases (no rsID available, gnomAD 0.007%). This variant has not been reported in the literature in individuals affected with SYNJ1-related conditions. Algorithms developed to predict the effect of missense changes on protein structure and function (SIFT, PolyPhen-2, Align-GVGD) all suggest that this variant is likely to be tolerated. In summary, the available evidence is currently insufficient to determine the role of this variant in disease. Therefore, it has been classified as a Variant of Uncertain Significance.